The following is an entry in ClinVar:

NM_021120.4(DLG3):c.-8dup

Gene: DLG3 (discs large MAGUK scaffold protein 3; plus strand). Cytogenetic location: Xq13.1.
Variant type: Duplication.
Coding change: c.-8dup on transcript NM_021120.4 (MANE Select); 8 bases upstream of the start codon, one base duplicated (G; older notation c.-8dupG).
Molecular consequence: 5 prime UTR variant.
Genome position (GRCh38, 1-based): chrX:70,445,194, G duplicated; the last of 6 consecutive G bases (chrX:70,445,189-70,445,194); duplicating any one gives the same sequence. VCF-style (leftmost placement, unchanged base first): chrX-70445188-C-CG. GRCh37 (hg19) VCF-style: chrX-69665038-C-CG.
Identifiers: ClinVar variation 2576624 (VCV002576624.4), dbSNP rs1555960066, ClinGen allele CA642471260.

ClinVar aggregate classification (germline): Conflicting classifications of pathogenicity. Review status: criteria provided, conflicting classifications (1 of 4 stars). 2 submissions from 2 submitters: Pathogenic (1); Uncertain significance (1). Last evaluated 2022-11-25.

Conditions:
Intellectual developmental disorder, X-linked 90. Also called: DLG3-Related X-Linked Nonsyndromic Mental Retardation; Intellectual disability, X-linked 90. Identifiers: Orphanet 777, MedGen C3275443, MONDO:0010452, OMIM 300850.

Submissions (2):

Blueprint Genetics
Classification: Uncertain significance. Last evaluated: 2022-11-25. Review status: criteria provided, single submitter. Criteria: ACMG Guidelines, 2015. Collection method: clinical testing. Allele origin: germline.

Neurogenetics Research Program, University of Adelaide
Classification: Pathogenic for Intellectual developmental disorder, X-linked 90. Last evaluated: 2016-05-25. Review status: criteria provided, single submitter. Criteria: ACMG Guidelines, 2015. Collection method: research. Allele origin: maternal, not applicable. Inheritance: X-linked recessive inheritance. Affected: yes. Observed: 12 variant alleles, 3 heterozygotes, 9 hemizygotes. Functional consequence: decreased_translational_product_level.
Comment: The variant segregates with disease and obligate carrier status in a large family with non-syndromic X-linked ID. Confirmed through 18 individuals over 6 generations. The variant lies within a region of significant linkage, maximum LOD= 2.40 at theta = 0 (in combination these data support that the variant is significantly depleted PS4). The variant causes a translation block confirmed independently by western blotting of patient cell lines and a luciferase reporter gene assay (PS3) The variant is absent from population databases (PM2). In combination, reduced protein expression is consistent with previous reports of disease-causing loss of function variants of DLG3.

Literature cited by the submitters: PubMed 27222290 (cited by Neurogenetics Research Program, University of Adelaide); PubMed 15185169 (cited by Neurogenetics Research Program, University of Adelaide).